The following is an entry in ClinVar:

ClinVar aggregate classification (germline): Uncertain significance. Review status: criteria provided, multiple submitters, no conflicts (2 of 4 stars). 7 submissions from 7 submitters: Uncertain significance (7). Last evaluated 2026-03-03.

Conditions:
POLG-related disorder. Also called: POLG-related condition; POLG-Related Disorders; POLG-Related Spectrum Disorders. Identifiers: MedGen C4763519.
Inborn genetic diseases. Identifiers: MedGen C0950123, MeSH D030342.
Progressive sclerosing poliodystrophy (MTDPS4A). Also called: Mitochondrial DNA depletion syndrome 4A (Alpers type); Alpers Syndrome; NEURONAL DEGENERATION OF CHILDHOOD WITH LIVER DISEASE, PROGRESSIVE; ALPERS PROGRESSIVE INFANTILE POLIODYSTROPHY; ALPERS DIFFUSE DEGENERATION OF CEREBRAL GRAY MATTER WITH HEPATIC CIRRHOSIS; Alpers-Huttenlocher Syndrome. Identifiers: Orphanet 726, MedGen C0205710, MONDO:0008758, OMIM 203700.

Allele frequency attached by ClinVar (database versions not stated): gnomAD 0.00002 and 0.00003; gnomAD exomes 0.00002 and 0.00017; TOPMed 0.00009; ExAC 0.00016.
gnomAD v4.1: 33 of 1,613,882 alleles (0.002%); highest among the groups gnomAD compares: East Asian, 0.067%; no homozygotes.

Submissions (7):

PreventionGenetics, part of Exact Sciences
Classification: Uncertain significance for POLG-related condition. Last evaluated: 2026-03-03. Review status: criteria provided, single submitter. Criteria: ACMG Guidelines, 2015. Collection method: clinical testing. Allele origin: germline.
Comment: The POLG c.2830G>A variant is predicted to result in the amino acid substitution p.Glu944Lys. This variant was reported as a variant of uncertain significance in an individual with suspected hereditary optic neuropathy (Table 1, Lin et al. 2021. PubMed ID: 34573359). This variant was also identified in an individual with progressive external ophthalmoplegia (Da Pozzo et al. 2015. PubMed ID: 26050231). This variant is reported in 0.22% of alleles in individuals of East Asian descent in gnomAD. At this time, the clinical significance of this variant is uncertain due to the absence of conclusive functional and genetic evidence.

GeneDx
Classification: Uncertain significance. Last evaluated: 2025-11-24. Review status: criteria provided, single submitter. Criteria: GeneDx Variant Classification Process June 2021. Collection method: clinical testing. Allele origin: germline. Affected: yes.
Comment: Reported in the published literature in a patient with optic neuropathy and epilepsy and in another patient with ophthalmoplegia (PMID: 34573359); In silico analysis supports that this missense variant has a deleterious effect on protein structure/function; This variant is associated with the following publications: (PMID: 26050231, 33580635, 34573359)

Labcorp Genetics (formerly Invitae), Labcorp
Classification: Uncertain significance for Progressive sclerosing poliodystrophy. Last evaluated: 2024-05-23. Review status: criteria provided, single submitter. Criteria: Invitae Variant Classification Sherloc (09022015). Collection method: clinical testing. Allele origin: germline.
Comment: This sequence change replaces glutamic acid, which is acidic and polar, with lysine, which is basic and polar, at codon 944 of the POLG protein (p.Glu944Lys). The frequency data for this variant in the population databases is considered unreliable, as metrics indicate poor data quality at this position in the gnomAD database. This missense change has been observed in individual(s) with POLG-related conditions (PMID: 34573359). ClinVar contains an entry for this variant (Variation ID: 206535). Advanced modeling of protein sequence and biophysical properties (such as structural, functional, and spatial information, amino acid conservation, physicochemical variation, residue mobility, and thermodynamic stability) performed at Invitae indicates that this missense variant is expected to disrupt POLG protein function with a positive predictive value of 95%. In summary, the available evidence is currently insufficient to determine the role of this variant in disease. Therefore, it has been classified as a Variant of Uncertain Significance.

Wong Mito Lab, Molecular and Human Genetics, Baylor College of Medicine
Classification: Uncertain significance for Progressive sclerosing poliodystrophy. Last evaluated: 2018-10-01. Review status: criteria provided, single submitter. Criteria: ACMG Guidelines, 2015. Collection method: clinical testing. Allele origin: germline.
Comment: The NM_002693.2:c.2830G>A (NP_002684.1:p.Glu944Lys) [GRCH38: NC_000015.10:g.89320917C>T] variant in POLG gene is interpretated to be a Uncertain Significance based on ACMG guidelines (PMID: 25741868). This variant meets the following evidence codes reported in the ACMG-guideline. PM1:This variant is in mutational hot spot or a well-studied functional domain without benign variation. PM2:This variant is absent in key population databases. Based on the evidence criteria codes applied, the variant is suggested to be Uncertain Significance.

Ambry Genetics
Classification: Uncertain significance for Inborn genetic diseases. Last evaluated: 2018-09-21. Review status: criteria provided, single submitter. Criteria: Ambry Variant Classification Scheme 2023. Collection method: clinical testing. Allele origin: germline.
Comment: The p.E944K variant (also known as c.2830G>A), located in coding exon 17 of the POLG gene, results from a G to A substitution at nucleotide position 2830. The glutamic acid at codon 944 is replaced by lysine, an amino acid with similar properties. This amino acid position is highly conserved in available vertebrate species. In addition, this alteration is predicted to be deleterious by in silico analysis. Since supporting evidence is limited at this time, the clinical significance of this alteration remains unclear.

Illumina Laboratory Services, Illumina
Classification: Uncertain significance for POLG-Related Spectrum Disorders. Last evaluated: 2017-04-27. Review status: criteria provided, single submitter. Criteria: ICSL Variant Classification Criteria 13 December 2019. Collection method: clinical testing. Allele origin: germline.
Comment: This variant was observed as part of a predisposition screen in an ostensibly healthy population. A literature search was performed for the gene, cDNA change, and amino acid change (where applicable). Publications were found based on this search. However, the evidence from the literature, in combination with allele frequency data from public databases where available, was not sufficient to rule this variant in or out of causing disease. Therefore, this variant is classified as a variant of unknown significance.

Eurofins Ntd Llc (ga)
Classification: Uncertain significance. Last evaluated: 2017-03-23. Review status: criteria provided, single submitter. Criteria: EGL Classification Definitions 2015. Collection method: clinical testing. Allele origin: germline. Observed: 1 variant allele, 1 heterozygote.

Literature cited by the submitters: PubMed 34573359 (cited by Labcorp Genetics (formerly Invitae), Labcorp); PubMed 26050231 (cited by Illumina Laboratory Services, Illumina).

NM_002693.3(POLG):c.2830G>A (p.Glu944Lys)

Gene: POLG (DNA polymerase gamma, catalytic subunit; minus strand). Cytogenetic location: 15q26.1.
Variant type: single nucleotide variant.
Coding change: c.2830G>A on transcript NM_002693.3 (MANE Select); coding-DNA position 2830, G replaced by A.
Protein change: p.Glu944Lys; replaces glutamic acid 944 with lysine.
Molecular consequence: missense variant.
Genome position (GRCh38, 1-based): chr15:89,320,917, C>T on the plus strand (G>A on the coding strand, the complement: POLG is on the minus strand). VCF-style: chr15-89320917-C-T. GRCh37 (hg19) VCF-style: chr15-89864148-C-T.
Other names: p.E944K:GAG>AAG; c.2830G>A, p.Glu944Lys (NM_001126131.2); short protein forms E944K.
Identifiers: ClinVar variation 206535 (VCV000206535.21), dbSNP rs768653086, ClinGen allele CA316715.
Genomic context (GRCh38, chr15:89,320,917, plus strand): 5'-GCTCAGCAAAGGGCTGCCCAGCACCATAGATGCGGCCGTAGTTGAAGATTTTGGCATGCT[C>T]ACGGCTGATGCCCACAGTAGTGGCTGTCTTACTGTGTAGATCAGTGCCCCTGCTCTTCCT-3'
Protein context (NP_002684.1, residues 934-954): KTATTVGISR[Glu944Lys]HAKIFNYGRI